The following is an entry in ClinVar:

ClinVar aggregate classification (germline): Likely benign. Review status: criteria provided, single submitter (1 of 4 stars). 2 submissions from 2 submitters: Likely benign (1). 1 of the submissions does not count toward it. Last evaluated 2025-08-23.

Conditions:
NOTCH2-related disorder. Also called: NOTCH2-related condition.
Hajdu-Cheney syndrome (HJCYS). Also called: Acroosteolysis dominant type; SERPENTINE FIBULA-POLYCYSTIC KIDNEY SYNDROME; ACROOSTEOLYSIS WITH OSTEOPOROSIS AND CHANGES IN SKULL AND MANDIBLE. Identifiers: Orphanet 955, MedGen C0917715, MONDO:0007057, OMIM 102500.

Allele frequency attached by ClinVar (database versions not stated): ExAC 0.00002; gnomAD exomes 0.00002; TOPMed 0.00004; 1000 Genomes Project 30x 0.00016; 1000 Genomes Project 0.00020.
gnomAD v4.1: 51 of 1,614,124 alleles (0.0032%); highest among the groups gnomAD compares: Middle Eastern, 0.017%; 1 homozygote.

Submissions (2):

Labcorp Genetics (formerly Invitae), Labcorp
Classification: Likely benign for Hajdu-Cheney syndrome. Last evaluated: 2025-08-23. Review status: criteria provided, single submitter. Criteria: Invitae Variant Classification Sherloc (09022015). Collection method: clinical testing. Allele origin: germline.

PreventionGenetics, part of Exact Sciences
Classification: Likely benign for NOTCH2-related condition. Last evaluated: 2019-05-28. Review status: no assertion criteria provided. Collection method: clinical testing. Allele origin: germline. Not counted in ClinVar's aggregate classification.
Comment: This variant is classified as likely benign based on ACMG/AMP sequence variant interpretation guidelines (Richards et al. 2015 PMID: 25741868, with internal and published modifications).

NM_024408.4(NOTCH2):c.4458G>A (p.Thr1486=)

Gene: NOTCH2 (notch receptor 2; minus strand). Cytogenetic location: 1p12.
Variant type: single nucleotide variant.
Coding change: c.4458G>A on transcript NM_024408.4 (MANE Select); coding-DNA position 4458, G replaced by A.
Protein change: p.Thr1486=; no amino-acid change (threonine 1486 retained).
Molecular consequence: synonymous variant.
Genome position (GRCh38, 1-based): chr1:119,925,358, C>T on the plus strand (G>A on the coding strand, the complement: NOTCH2 is on the minus strand). VCF-style: chr1-119925358-C-T. GRCh37 (hg19) VCF-style: chr1-120467981-C-T.
Identifiers: ClinVar variation 796083 (VCV000796083.13), dbSNP rs61756001, ClinGen allele CA1039860.